The following is an entry in ClinVar:

ClinVar aggregate classification (germline): Pathogenic (1 of 4 stars; one submission).

Conditions:
Early-infantile DEE. Also called: Early infantile epileptic encephalopathy; Early infantile epileptic encephalopathy with suppression bursts; Ohtahara syndrome. Identifiers: Orphanet 1934, MedGen C0393706, MONDO:0800491.

Submission:

Labcorp Genetics (formerly Invitae), Labcorp
Classification: Pathogenic for Early-infantile DEE. Last evaluated: 2023-05-23. Review status: criteria provided, single submitter. Criteria: Invitae Variant Classification Sherloc (09022015). Collection method: clinical testing. Allele origin: germline.
Comment: For these reasons, this variant has been classified as Pathogenic. This variant disrupts the c.4338+5G nucleotide in the SCN1A gene. Other variant(s) that disrupt this nucleotide have been determined to be pathogenic (Invitae). This suggests that this nucleotide is clinically significant, and that variants that disrupt this position are likely to be disease-causing. Variants that disrupt the consensus splice site are a relatively common cause of aberrant splicing (PMID: 17576681, 9536098). Algorithms developed to predict the effect of sequence changes on RNA splicing suggest that this variant may disrupt the consensus splice site. This variant has been observed in individual(s) with clinical features of SCN1A-related conditions (Invitae). In at least one individual the variant was observed to be de novo. This variant is not present in population databases (gnomAD no frequency). This sequence change falls in intron 22 of the SCN1A gene. It does not directly change the encoded amino acid sequence of the SCN1A protein. It affects a nucleotide within the consensus splice site.

Literature cited by the submitters: PubMed 17576681; PubMed 9536098.

NM_001165963.4(SCN1A):c.4338+5G>T

Genes: SCN1A (sodium voltage-gated channel alpha subunit 1; minus strand), LOC102724058 (uncharacterized LOC102724058; plus strand). Cytogenetic location: 2q24.3.
Variant type: single nucleotide variant.
Coding change: c.4338+5G>T on transcript NM_001165963.4 (MANE Select); 5 bases into the intron after coding-DNA position 4338, G replaced by T.
Molecular consequence: intron variant.
Genome position (GRCh38, 1-based): chr2:165,999,718, C>A on the plus strand (G>T on the coding strand, the complement: SCN1A is on the minus strand). VCF-style: chr2-165999718-C-A. GRCh37 (hg19) VCF-style: chr2-166856228-C-A.
Other names: c.4305+5G>T (NM_001353949.2, NM_001353950.2, NM_001353951.2 and 2 more transcripts); c.4254+5G>T (NM_001353958.2, NM_001353957.2, NM_001165964.3); c.4338+5G>T (NM_001202435.3, NM_001353948.2); c.4302+5G>T (NM_001353955.2, NM_001353954.2); c.4251+5G>T (NM_001353960.2); c.1896+5G>T (NM_001353961.2).
Identifiers: ClinVar variation 2827800 (VCV002827800.3), dbSNP rs796053011, ClinGen allele CA2739271469.
Genomic context (GRCh38, chr2:165,999,718, plus strand): 5'-TTATTCGATTAATTTTACCACCTGATCAATATTGTAAAAAGACTTAGAATACAAGGAATA[C>A]TTACATTTCTGGAATCAACTGCTGCATACATTATATCCATCCATCCTTTGAATGTGGCCT-3'